The following is an entry in ClinVar:

NM_138420.4(AHNAK2):c.2586G>A (p.Lys862=)

Gene: AHNAK2 (AHNAK nucleoprotein 2; minus strand). Cytogenetic location: 14q32.33.
Variant type: single nucleotide variant.
Coding change: c.2586G>A on transcript NM_138420.4 (MANE Select); coding-DNA position 2586, G replaced by A.
Protein change: p.Lys862=; no amino-acid change (lysine 862 retained).
Molecular consequence: synonymous variant.
Genome position (GRCh38, 1-based): chr14:104,952,865, C>T on the plus strand (G>A on the coding strand, the complement: AHNAK2 is on the minus strand). VCF-style: chr14-104952865-C-T. GRCh37 (hg19) VCF-style: chr14-105419202-C-T.
Other names: c.2286G>A, p.Lys762= (NM_001350929.2).
Identifiers: ClinVar variation 5038598 (VCV005038598.1).

ClinVar aggregate classification (germline): Likely benign (1 of 4 stars; one submission).

Submission:

CeGaT Center for Human Genetics Tuebingen
Classification: Likely benign. Last evaluated: 2026-07-01. Review status: criteria provided, single submitter. Criteria: CeGaT Center For Human Genetics Tuebingen Variant Classification Criteria Version 2. Collection method: clinical testing. Allele origin: germline. Affected: yes. Observed: 1 variant allele.
Comment: AHNAK2: BP4, BP7